The following is an entry in ClinVar:

NM_020365.5(EIF2B3):c.40T>C (p.Ser14Pro)

Gene: EIF2B3 (eukaryotic translation initiation factor 2B subunit gamma; minus strand). Cytogenetic location: 1p34.1.
Variant type: single nucleotide variant.
Coding change: c.40T>C on transcript NM_020365.5 (MANE Select); coding-DNA position 40, T replaced by C.
Protein change: p.Ser14Pro; replaces serine 14 with proline.
Molecular consequence: missense variant.
Genome position (GRCh38, 1-based): chr1:44,981,129, A>G on the plus strand (T>C on the coding strand, the complement: EIF2B3 is on the minus strand). VCF-style: chr1-44981129-A-G. GRCh37 (hg19) VCF-style: chr1-45446801-A-G.
Other names: c.40T>C, p.Ser14Pro (NM_001166588.3, NM_001261418.2); short protein forms S14P.
Identifiers: ClinVar variation 1387951 (VCV001387951.6), dbSNP rs899472467, ClinGen allele CA21763921.
Genomic context (GRCh38, chr1:44,981,129, plus strand): 5'-GTTTGTTCCCAACTGGAAGCAGAGGTTTGGGAATGCTGGAAGTTAGGTCTGTCATCCGAG[A>G]TCCTCCACCTACTGCCATCACTACTGCTTGAAATTCCATTTTTACAAACTGCAAGTACAG-3'
Protein context (NP_065098.1, residues 4-24): QAVVMAVGGG[Ser14Pro]RMTDLTSSIP

ClinVar aggregate classification (germline): Uncertain significance (1 of 4 stars; one submission).

Allele frequency attached by ClinVar (database versions not stated): gnomAD 0.00001; gnomAD exomes 0.00001 and 0.00002; TOPMed 0.00001.
gnomAD v4.1: 6 of 1,612,966 alleles (0.00037%); highest among the groups gnomAD compares: Admixed American, 0.0067%; no homozygotes.

Submission:

Labcorp Genetics (formerly Invitae), Labcorp
Classification: Uncertain significance. Last evaluated: 2025-12-08. Review status: criteria provided, single submitter. Criteria: Invitae Variant Classification Sherloc (09022015). Collection method: clinical testing. Allele origin: germline.
Comment: This sequence change replaces serine, which is neutral and polar, with proline, which is neutral and non-polar, at codon 14 of the EIF2B3 protein (p.Ser14Pro). This variant is present in population databases (no rsID available, gnomAD 0.009%). This missense change has been observed in individual(s) with clinical features of EIF2B3-related conditions (PMID: 32342562; internal data). It has also been observed to segregate with disease in related individuals. ClinVar contains an entry for this variant (Variation ID: 1387951). Invitae Evidence Modeling of protein sequence and biophysical properties (such as structural, functional, and spatial information, amino acid conservation, physicochemical variation, residue mobility, and thermodynamic stability) indicates that this missense variant is expected to disrupt EIF2B3 protein function with a positive predictive value of 80%. In summary, the available evidence is currently insufficient to determine the role of this variant in disease. Therefore, it has been classified as a Variant of Uncertain Significance.

Literature cited by the submitters: PubMed 32342562.